The following is an entry in ClinVar:

NM_005431.2(XRCC2):c.80T>A (p.Ile27Lys)

Gene: XRCC2 (X-ray repair cross complementing 2; minus strand). Cytogenetic location: 7q36.1.
Variant type: single nucleotide variant.
Coding change: c.80T>A on transcript NM_005431.2 (MANE Select); coding-DNA position 80, T replaced by A.
Protein change: p.Ile27Lys; replaces isoleucine 27 with lysine.
Molecular consequence: missense variant.
Genome position (GRCh38, 1-based): chr7:152,660,742, A>T on the plus strand (T>A on the coding strand, the complement: XRCC2 is on the minus strand). VCF-style: chr7-152660742-A-T. GRCh37 (hg19) VCF-style: chr7-152357827-A-T.
Other names: short protein forms I27K.
Identifiers: ClinVar variation 4866841 (VCV004866841.1).

ClinVar aggregate classification (germline): Uncertain significance (1 of 4 stars; one submission).

Conditions:
Hereditary cancer-predisposing syndrome. Also called: Neoplastic Syndromes, Hereditary; Tumor predisposition; Hereditary Cancer Syndrome; Hereditary neoplastic syndrome. Identifiers: Orphanet 140162, MedGen C0027672, MeSH D009386, MONDO:0015356.

Submission:

Ambry Genetics
Classification: Uncertain significance for Hereditary cancer-predisposing syndrome. Last evaluated: 2026-03-28. Review status: criteria provided, single submitter. Criteria: Ambry Variant Classification Scheme 2023. Collection method: clinical testing. Allele origin: germline.
Comment: The p.I27K variant (also known as c.80T>A), located in coding exon 2 of the XRCC2 gene, results from a T to A substitution at nucleotide position 80. The isoleucine at codon 27 is replaced by lysine, an amino acid with dissimilar properties. This amino acid position is conserved. In addition, the in silico prediction for this alteration is inconclusive. Based on the available evidence, the clinical significance of this variant remains unclear.